The following is an entry in ClinVar:

ClinVar aggregate classification (germline): Uncertain significance (1 of 4 stars; one submission).

Conditions:
Congenital stationary night blindness 2A (CSNB2A). Also called: CSNB, INCOMPLETE, X-LINKED; Night blindness, congenital stationary (incomplete), 2A, X-linked; CACNA1F-Related X-Linked Congenital Stationary Night Blindness; NIGHT BLINDNESS, CONGENITAL STATIONARY, TYPE 2. Identifiers: Orphanet 215, MedGen C1848172, MONDO:0010241, OMIM 300071.

Submission:

Centre for Genomic Medicine, Manchester, Central Manchester University Hospitals
Classification: Uncertain significance for Congenital stationary night blindness 2A. Last evaluated: 2018-08-21. Review status: criteria provided, single submitter. Criteria: ACMG Guidelines, 2015. Collection method: clinical testing. Allele origin: germline. Inheritance: X-linked recessive inheritance. Observed: 1 hemizygote.
Comment: PM2 - absent on gnomAD, PM4 - not applied as within a run of 3 AACs [Protein length changes as a result of in-frame deletions/insertions in a nonrepeat region or stop-loss variants, to be applied at a supporting level if a deletion of a single amino acid]. Seen once in-house.

NM_001256789.3(CACNA1F):c.4054AAC[2] (p.Asn1354del)

Gene: CACNA1F (calcium voltage-gated channel subunit alpha1 F; minus strand). Cytogenetic location: Xp11.23.
Variant type: Microsatellite.
Coding change: c.4054AAC[2] on transcript NM_001256789.3 (MANE Select); two copies in a row of the 3-base unit AAC starting at c.4054; the reference has three copies in a row; one copy, 3 bases deleted.
Protein change: p.Asn1354del; deletes asparagine 1354.
Molecular consequence: inframe deletion.
Genome position (GRCh38, 1-based): chrX:49,211,936-49,211,938, GTT deleted on the plus strand (AAC on the coding strand, the reverse complement: CACNA1F is on the minus strand); deleting any 3 consecutive bases within chrX:49,211,936-49,211,944 gives the same sequence; the position shown is the placement nearest the transcript's 3' end. VCF-style (leftmost placement, unchanged base first): chrX-49211935-AGTT-A. GRCh37 (hg19) VCF-style: chrX-49068395-AGTT-A.
Other names: c.3892AAC[2], p.Asn1300del (NM_001256790.3); c.4087AAC[2], p.Asn1365del (NM_005183.4); short protein forms N1300del, N1354del, N1365del.
Identifiers: ClinVar variation 1526288 (VCV001526288.3), dbSNP rs2065661046, ClinGen allele CA2428538189.